The following is an entry in ClinVar:

NM_001370259.2(MEN1):c.*6T>C

Gene: MEN1 (menin 1; minus strand). Cytogenetic location: 11q13.1.
Variant type: single nucleotide variant.
Coding change: c.*6T>C on transcript NM_001370259.2 (MANE Select); 6 bases downstream of the stop codon, T replaced by C.
Molecular consequence: 3 prime UTR variant. On other transcripts: non-coding transcript variant (4).
Genome position (GRCh38, 1-based): chr11:64,804,328, A>G on the plus strand (T>C on the coding strand, the complement: MEN1 is on the minus strand). VCF-style: chr11-64804328-A-G. GRCh37 (hg19) VCF-style: chr11-64571800-A-G.
Other names: c.*6T>C (NM_000244.4, NM_001370251.2, NM_001370260.2 and 20 more transcripts).
Identifiers: ClinVar variation 3773204 (VCV003773204.1).
Genomic context (GRCh38, chr11:64,804,328, plus strand): 5'-GGCTCAGAGTTGGGGGACTAAGGGCGGAGCCTGGGTCCCCACAAGCGGTCCGAAGTCCCC[A>G]GTAGTTCAGAGGCCTTTGCGCTGCCGCTTGAGGAAAGACAGAGTGTAGTCACTAGGGGTG-3'

ClinVar aggregate classification (germline): Benign (1 of 4 stars; one submission).

Conditions:
Multiple endocrine neoplasia, type 1 (MEN1). Also called: MEN I; WERMER SYNDROME; Endocrine adenomatosis multiple; MEN 1; MEA I. Identifiers: Orphanet 652, MedGen C0025267, MeSH D018761, MONDO:0007540, OMIM 131100.

gnomAD v4.1: 1 of 1,614,220 alleles (0.000062%); highest among the groups gnomAD compares: Non-Finnish European, 0.000085%; no homozygotes.

Submission:

Myriad Genetics, Inc.
Classification: Benign for Multiple endocrine neoplasia, type 1. Last evaluated: 2024-11-05. Review status: criteria provided, single submitter. Criteria: Myriad Autosomal Dominant, Autosomal Recessive and X-Linked Classification Criteria (2023). Collection method: clinical testing. Allele origin: unknown.
Comment: This variant is considered benign. This variant occurs in the non-coding 3' untranslated region of the gene, and is not expected to impact protein function.